The following is an entry in ClinVar:

ClinVar aggregate classification (germline): Uncertain significance. Review status: criteria provided, multiple submitters, no conflicts (2 of 4 stars). 7 submissions from 7 submitters: Uncertain significance (7). Last evaluated 2024-08-31.

Conditions:
Primary ciliary dyskinesia. Also called: Ciliary dyskinesia. Identifiers: Orphanet 244, MedGen C0008780, MONDO:0016575, HP:0012265.
Primary ciliary dyskinesia 14. Also called: CILIARY DYSKINESIA, PRIMARY, 14, WITH OR WITHOUT SITUS INVERSUS. Identifiers: Orphanet 244, MedGen C3151136, MONDO:0013434, OMIM 613807.

Allele frequency attached by ClinVar (database versions not stated): gnomAD 0.00012 and 0.00011; ESP Exome Variant Server 0.00017; TOPMed 0.00014; ExAC 0.00013; gnomAD exomes 0.00015.
gnomAD v4.1: 422 of 1,613,090 alleles (0.026%); highest among the groups gnomAD compares: Non-Finnish European, 0.034%; no homozygotes.

Submissions (7):

Ambry Genetics
Classification: Uncertain significance for Primary ciliary dyskinesia. Last evaluated: 2024-08-31. Review status: criteria provided, single submitter. Criteria: Ambry Variant Classification Scheme 2023. Collection method: clinical testing. Allele origin: germline.
Comment: The p.T872K variant (also known as c.2615C>A), located in coding exon 19 of the CCDC39 gene, results from a C to A substitution at nucleotide position 2615. The threonine at codon 872 is replaced by lysine, an amino acid with similar properties. This amino acid position is conserved. In addition, this alteration is predicted to be tolerated by in silico analysis. Based on the available evidence, the clinical significance of this variant remains unclear.

Mayo Clinic Laboratories, Mayo Clinic
Classification: Uncertain significance. Last evaluated: 2023-10-17. Review status: criteria provided, single submitter. Criteria: ACMG Guidelines, 2015. Collection method: clinical testing. Allele origin: germline. Observed: 1 variant allele.
Comment: BP4, PM2

CeGaT Center for Human Genetics Tuebingen
Classification: Uncertain significance. Last evaluated: 2023-03-01. Review status: criteria provided, single submitter. Criteria: CeGaT Center For Human Genetics Tuebingen Variant Classification Criteria Version 2. Collection method: clinical testing. Allele origin: germline. Affected: yes. Observed: 1 variant allele.
Comment: CCDC39: PM2, BP4

Labcorp Genetics (formerly Invitae), Labcorp
Classification: Uncertain significance for Primary ciliary dyskinesia. Last evaluated: 2022-09-01. Review status: criteria provided, single submitter. Criteria: Invitae Variant Classification Sherloc (09022015). Collection method: clinical testing. Allele origin: germline.
Comment: This sequence change replaces threonine, which is neutral and polar, with lysine, which is basic and polar, at codon 872 of the CCDC39 protein (p.Thr872Lys). This variant is present in population databases (rs202027034, gnomAD 0.03%). This variant has not been reported in the literature in individuals affected with CCDC39-related conditions. ClinVar contains an entry for this variant (Variation ID: 455022). Algorithms developed to predict the effect of missense changes on protein structure and function (SIFT, PolyPhen-2, Align-GVGD) all suggest that this variant is likely to be tolerated. In summary, the available evidence is currently insufficient to determine the role of this variant in disease. Therefore, it has been classified as a Variant of Uncertain Significance.

Revvity Omics, Revvity
Classification: Uncertain significance for Primary ciliary dyskinesia 14. Last evaluated: 2022-06-01. Review status: criteria provided, single submitter. Criteria: ACMG Guidelines, 2015. Collection method: clinical testing. Allele origin: germline.

Fulgent Genetics
Classification: Uncertain significance for Primary ciliary dyskinesia 14. Last evaluated: 2022-01-06. Review status: criteria provided, single submitter. Criteria: ACMG Guidelines, 2015. Collection method: clinical testing. Allele origin: unknown.

Illumina Laboratory Services, Illumina
Classification: Uncertain significance for Primary ciliary dyskinesia 14. Last evaluated: 2018-01-12. Review status: criteria provided, single submitter. Criteria: ICSL Variant Classification Criteria 13 December 2019. Collection method: clinical testing. Allele origin: germline.

NM_181426.2(CCDC39):c.2615C>A (p.Thr872Lys)

Genes: CCDC39 (coiled-coil domain 39 molecular ruler complex subunit; minus strand), TTC14 (tetratricopeptide repeat domain 14; plus strand). Cytogenetic location: 3q26.33.
Variant type: single nucleotide variant.
Coding change: c.2615C>A on transcript NM_181426.2 (MANE Select); coding-DNA position 2615, C replaced by A.
Protein change: p.Thr872Lys; replaces threonine 872 with lysine.
Molecular consequence: missense variant. On other transcripts: intron variant (1).
Genome position (GRCh38, 1-based): chr3:180,616,335, G>T on the plus strand (C>A on the coding strand, the complement: CCDC39 is on the minus strand). VCF-style: chr3-180616335-G-T. GRCh37 (hg19) VCF-style: chr3-180334123-G-T.
Other names: p.Thr872Lys; c.1775-1045G>T (NM_001288582.2); short protein forms T872K.
Identifiers: ClinVar variation 455022 (VCV000455022.44), dbSNP rs202027034, ClinGen allele CA2715617.